The following is an entry in ClinVar:

NM_152383.5(DIS3L2):c.662C>G (p.Thr221Arg)

Gene: DIS3L2 (DIS3 like 3'-5' exoribonuclease 2; plus strand). Cytogenetic location: 2q37.1.
Variant type: single nucleotide variant.
Coding change: c.662C>G on transcript NM_152383.5 (MANE Select); coding-DNA position 662, C replaced by G.
Protein change: p.Thr221Arg; replaces threonine 221 with arginine.
Molecular consequence: missense variant. On other transcripts: non-coding transcript variant (2).
Genome position (GRCh38, 1-based): chr2:232,130,679, C>G. VCF-style: chr2-232130679-C-G. GRCh37 (hg19) VCF-style: chr2-232995389-C-G.
Other names: c.662C>G, p.Thr221Arg (NM_001257281.2, NM_001257282.2); short protein forms T221R.
Identifiers: ClinVar variation 463125 (VCV000463125.20), dbSNP rs201020526, ClinGen allele CA2163890.

ClinVar aggregate classification (germline): Conflicting classifications of pathogenicity. Review status: criteria provided, conflicting classifications (1 of 4 stars). 5 submissions from 5 submitters: Uncertain significance (4); Benign (1). Last evaluated 2025-10-26.

Conditions:
Inborn genetic diseases. Identifiers: MedGen C0950123, MeSH D030342.
Perlman syndrome (PRLMNS). Identifiers: Orphanet 2849, MedGen C0796113, MONDO:0009965, OMIM 267000.

Allele frequency attached by ClinVar (database versions not stated): gnomAD exomes 0.00009; ExAC 0.00012; 1000 Genomes Project 30x 0.00031; 1000 Genomes Project 0.00040; ESP Exome Variant Server 0.00050; gnomAD 0.00050 and 0.00052; TOPMed 0.00062.
gnomAD v4.1: 122 of 1,613,948 alleles (0.0076%); highest among the groups gnomAD compares: African/African-American, 0.13%; no homozygotes.

Submissions (5):

Labcorp Genetics (formerly Invitae), Labcorp
Classification: Benign for Perlman syndrome. Last evaluated: 2025-10-26. Review status: criteria provided, single submitter. Criteria: Invitae Variant Classification Sherloc (09022015). Collection method: clinical testing. Allele origin: germline.

Ambry Genetics
Classification: Uncertain significance for Inborn genetic diseases. Last evaluated: 2025-03-22. Review status: criteria provided, single submitter. Criteria: Ambry Variant Classification Scheme 2023. Collection method: clinical testing. Allele origin: germline.

GeneDx
Classification: Uncertain significance. Last evaluated: 2023-07-14. Review status: criteria provided, single submitter. Criteria: GeneDx Variant Classification Process June 2021. Collection method: clinical testing. Allele origin: germline. Affected: yes.
Comment: In silico analysis supports that this missense variant does not alter protein structure/function; Has not been previously published as pathogenic or benign to our knowledge

Revvity Omics, Revvity
Classification: Uncertain significance for Perlman syndrome. Last evaluated: 2022-06-17. Review status: criteria provided, single submitter. Criteria: ACMG Guidelines, 2015. Collection method: clinical testing. Allele origin: germline.

Fulgent Genetics
Classification: Uncertain significance for Perlman syndrome. Last evaluated: 2018-10-31. Review status: criteria provided, single submitter. Criteria: ACMG Guidelines, 2015. Collection method: clinical testing. Allele origin: unknown.